The following is an entry in ClinVar:

NM_144596.4(TTC8):c.380C>A (p.Thr127Lys)

Gene: TTC8 (tetratricopeptide repeat domain 8; plus strand). Cytogenetic location: 14q31.3.
Variant type: single nucleotide variant.
Coding change: c.380C>A on transcript NM_144596.4 (MANE Select); coding-DNA position 380, C replaced by A.
Protein change: p.Thr127Lys; replaces threonine 127 with lysine.
Molecular consequence: missense variant. On other transcripts: 5 prime UTR variant (2), non-coding transcript variant (1).
Genome position (GRCh38, 1-based): chr14:88,841,087, C>A. VCF-style: chr14-88841087-C-A. GRCh37 (hg19) VCF-style: chr14-89307431-C-A.
Other names: c.350C>A, p.Thr117Lys (NM_001288781.1, NM_001366535.2, NM_001366536.2 and 2 more transcripts); c.-213C>A (NM_001288782.1); c.-308C>A (NM_001288783.1); short protein forms T117K, T127K.
Identifiers: ClinVar variation 961144 (VCV000961144.9), dbSNP rs369803125, ClinGen allele CA7302455.

ClinVar aggregate classification (germline): Uncertain significance (1 of 4 stars; one submission).

Conditions:
Bardet-Biedl syndrome (BBS). Identifiers: Orphanet 110, MedGen C0752166, MONDO:0015229.

gnomAD v4.1: 23 of 1,613,988 alleles (0.0014%); highest among the groups gnomAD compares: South Asian, 0.025%; no homozygotes.

Submission:

Labcorp Genetics (formerly Invitae), Labcorp
Classification: Uncertain significance for Bardet-Biedl syndrome. Last evaluated: 2019-11-05. Review status: criteria provided, single submitter. Criteria: Invitae Variant Classification Sherloc (09022015). Collection method: clinical testing. Allele origin: germline.
Comment: This sequence change replaces threonine with lysine at codon 117 of the TTC8 protein (p.Thr117Lys). The threonine residue is highly conserved and there is a moderate physicochemical difference between threonine and lysine. This variant is present in population databases (rs369803125, ExAC 0.02%). This variant has not been reported in the literature in individuals with TTC8-related conditions. Algorithms developed to predict the effect of missense changes on protein structure and function are either unavailable or do not agree on the potential impact of this missense change (SIFT: "Deleterious"; PolyPhen-2: "Probably Damaging"; Align-GVGD: "Class C0"). In summary, the available evidence is currently insufficient to determine the role of this variant in disease. Therefore, it has been classified as a Variant of Uncertain Significance.